The following is an entry in ClinVar:

ClinVar aggregate classification (germline): Uncertain significance (1 of 4 stars; one submission).

Conditions:
Inborn genetic diseases. Identifiers: MedGen C0950123, MeSH D030342.

Submission:

Ambry Genetics
Classification: Uncertain significance for Inborn genetic diseases. Last evaluated: 2025-05-19. Review status: criteria provided, single submitter. Criteria: Ambry Variant Classification Scheme 2023. Collection method: clinical testing. Allele origin: germline.
Comment: The p.T285S variant (also known as c.853A>T), located in coding exon 7 of the PAX5 gene, results from an A to T substitution at nucleotide position 853. The threonine at codon 285 is replaced by serine, an amino acid with similar properties. This amino acid position is conserved. In addition, the in silico prediction for this alteration is inconclusive. Based on the available evidence, the clinical significance of this variant remains unclear.

NM_016734.3(PAX5):c.853A>T (p.Thr285Ser)

Gene: PAX5 (paired box 5; minus strand). Cytogenetic location: 9p13.2.
Variant type: single nucleotide variant.
Coding change: c.853A>T on transcript NM_016734.3 (MANE Select); coding-DNA position 853, A replaced by T.
Protein change: p.Thr285Ser; replaces threonine 285 with serine.
Molecular consequence: missense variant. On other transcripts: intron variant (2).
Genome position (GRCh38, 1-based): chr9:36,923,412, T>A on the plus strand (A>T on the coding strand, the complement: PAX5 is on the minus strand). VCF-style: chr9-36923412-T-A. GRCh37 (hg19) VCF-style: chr9-36923409-T-A.
Other names: c.853A>T, p.Thr285Ser (NM_001280547.2, NM_001280548.2, NM_001280552.2); c.529A>T, p.Thr177Ser (NM_001280551.2, NM_001280556.2); c.724A>T, p.Thr242Ser (NM_001280553.2, NM_001280554.2); c.655A>T, p.Thr219Ser (NM_001280555.2); c.780+43137A>T (NM_001280550.2, NM_001280549.2); short protein forms T285S, T177S, T219S, T242S.
Identifiers: ClinVar variation 3928334 (VCV003928334.1).